The following is an entry in ClinVar:

NM_005732.4(RAD50):c.3041A>G (p.Gln1014Arg)

Gene: RAD50 (RAD50 double strand break repair protein; plus strand). Cytogenetic location: 5q31.1.
Variant type: single nucleotide variant.
Coding change: c.3041A>G on transcript NM_005732.4 (MANE Select); coding-DNA position 3041, A replaced by G.
Protein change: p.Gln1014Arg; replaces glutamine 1014 with arginine.
Molecular consequence: missense variant.
Genome position (GRCh38, 1-based): chr5:132,616,007, A>G. VCF-style: chr5-132616007-A-G. GRCh37 (hg19) VCF-style: chr5-131951699-A-G.
Other names: short protein forms Q1014R.
Identifiers: ClinVar variation 822694 (VCV000822694.4), dbSNP rs1581008369, ClinGen allele CA360963386.

ClinVar aggregate classification (germline): Uncertain significance (1 of 4 stars; one submission).

Conditions:
Hereditary cancer-predisposing syndrome. Also called: Tumor predisposition; Hereditary Cancer Syndrome; Neoplastic Syndromes, Hereditary; Hereditary neoplastic syndrome. Identifiers: Orphanet 140162, MedGen C0027672, MeSH D009386, MONDO:0015356.

Submission:

Ambry Genetics
Classification: Uncertain significance for Hereditary cancer-predisposing syndrome. Last evaluated: 2018-09-25. Review status: criteria provided, single submitter. Criteria: Ambry Variant Classification Scheme 2023. Collection method: clinical testing. Allele origin: germline.
Comment: The p.Q1014R variant (also known as c.3041A>G), located in coding exon 20 of the RAD50 gene, results from an A to G substitution at nucleotide position 3041. The glutamine at codon 1014 is replaced by arginine, an amino acid with highly similar properties. This amino acid position is highly conserved in available vertebrate species. In addition, this alteration is predicted to be tolerated by in silico analysis. Since supporting evidence is limited at this time, the clinical significance of this alteration remains unclear.